The following is an entry in ClinVar:

NM_014712.3(SETD1A):c.3572T>G (p.Phe1191Cys)

Gene: SETD1A (SET domain containing 1A, histone lysine methyltransferase; plus strand). Cytogenetic location: 16p11.2.
Variant type: single nucleotide variant.
Coding change: c.3572T>G on transcript NM_014712.3 (MANE Select); coding-DNA position 3572, T replaced by G.
Protein change: p.Phe1191Cys; replaces phenylalanine 1191 with cysteine.
Molecular consequence: missense variant.
Genome position (GRCh38, 1-based): chr16:30,979,358, T>G. VCF-style: chr16-30979358-T-G. GRCh37 (hg19) VCF-style: chr16-30990679-T-G.
Other names: short protein forms F1191C.
Identifiers: ClinVar variation 3370618 (VCV003370618.1).

ClinVar aggregate classification (germline): Uncertain significance (1 of 4 stars; one submission).

Submission:

GeneDx
Classification: Uncertain significance. Last evaluated: 2024-03-05. Review status: criteria provided, single submitter. Criteria: GeneDx Variant Classification Process June 2021. Collection method: clinical testing. Allele origin: germline. Affected: yes.
Comment: Not observed at significant frequency in large population cohorts (gnomAD); In silico analysis supports that this missense variant does not alter protein structure/function; Has not been previously published as pathogenic or benign to our knowledge